The following is an entry in ClinVar:

NM_001355436.2(SPTB):c.5233G>C (p.Glu1745Gln)

Gene: SPTB (spectrin beta, erythrocytic; minus strand). Cytogenetic location: 14q23.3.
Variant type: single nucleotide variant.
Coding change: c.5233G>C on transcript NM_001355436.2 (MANE Select); coding-DNA position 5233, G replaced by C.
Protein change: p.Glu1745Gln; replaces glutamic acid 1745 with glutamine.
Molecular consequence: missense variant.
Genome position (GRCh38, 1-based): chr14:64,772,900, C>G on the plus strand (G>C on the coding strand, the complement: SPTB is on the minus strand). VCF-style: chr14-64772900-C-G. GRCh37 (hg19) VCF-style: chr14-65239618-C-G.
Other names: NM_000347.5:c.5233G>C; c.5233G>C, p.Glu1745Gln (NM_001355437.2, NM_001024858.4); short protein forms E1745Q.
Identifiers: ClinVar variation 2436406 (VCV002436406.7), dbSNP rs929853070, ClinGen allele CA262689418.
Genomic context (GRCh38, chr14:64,772,900, plus strand): 5'-CCTCGCTGTGGCCCGCGTCGATGAGTCGCTCGATGAAGGCATTCACATTGTCCACCCGCT[C>G]CTGCCCAATCGCCCCGGTCTCCCGGGCAAAGTCCCGGAACTTGTCCCGCAGAAGCTAGGC-3'
Protein context (NP_001342365.1, residues 1735-1755): FARETGAIGQ[Glu1745Gln]RVDNVNAFIE

ClinVar aggregate classification (germline): Uncertain significance. Review status: criteria provided, multiple submitters, no conflicts (2 of 4 stars). 3 submissions from 3 submitters: Uncertain significance (3). Last evaluated 2023-11-09.

Conditions:
Inborn genetic diseases. Identifiers: MedGen C0950123, MeSH D030342.

Allele frequency attached by ClinVar (database versions not stated): gnomAD 0.00001; gnomAD exomes 0.00002; TOPMed 0.00002.
gnomAD v4.1: 10 of 1,605,892 alleles (0.00062%); highest among the groups gnomAD compares: Non-Finnish European, 0.00085%; no homozygotes.

Submissions (3):

Ambry Genetics
Classification: Uncertain significance for Inborn genetic diseases. Last evaluated: 2023-11-09. Review status: criteria provided, single submitter. Criteria: Ambry Variant Classification Scheme 2023. Collection method: clinical testing. Allele origin: germline.

Labcorp Genetics (formerly Invitae), Labcorp
Classification: Uncertain significance. Last evaluated: 2023-09-17. Review status: criteria provided, single submitter. Criteria: Invitae Variant Classification Sherloc (09022015). Collection method: clinical testing. Allele origin: germline.
Comment: In summary, the available evidence is currently insufficient to determine the role of this variant in disease. Therefore, it has been classified as a Variant of Uncertain Significance. An algorithm developed to predict the effect of missense changes on protein structure and function (PolyPhen-2) suggests that this variant is likely to be disruptive. ClinVar contains an entry for this variant (Variation ID: 2436406). This variant has not been reported in the literature in individuals affected with SPTB-related conditions. This variant is not present in population databases (gnomAD no frequency). This sequence change replaces glutamic acid, which is acidic and polar, with glutamine, which is neutral and polar, at codon 1745 of the SPTB protein (p.Glu1745Gln).

Revvity Omics, Revvity
Classification: Uncertain significance. Last evaluated: 2022-09-29. Review status: criteria provided, single submitter. Criteria: ACMG Guidelines, 2015. Collection method: clinical testing. Allele origin: germline.